The following is an entry in ClinVar:

ClinVar aggregate classification (germline): Uncertain significance (1 of 4 stars; one submission).

Conditions:
Multiple gastrointestinal atresias. Also called: Multiple intestinal atresia; FAMILIAL INTESTINAL POLYATRESIA SYNDROME. Identifiers: Orphanet 2300, MedGen C0220744, MONDO:0009465.

Submission:

Labcorp Genetics (formerly Invitae), Labcorp
Classification: Uncertain significance for Multiple gastrointestinal atresias. Last evaluated: 2024-07-01. Review status: criteria provided, single submitter. Criteria: Invitae Variant Classification Sherloc (09022015). Collection method: clinical testing. Allele origin: germline.
Comment: This sequence change replaces arginine, which is basic and polar, with lysine, which is basic and polar, at codon 202 of the TTC7A protein (p.Arg202Lys). This variant is present in population databases (no rsID available, gnomAD 0.0009%). This variant has not been reported in the literature in individuals affected with TTC7A-related conditions. Advanced modeling of protein sequence and biophysical properties (such as structural, functional, and spatial information, amino acid conservation, physicochemical variation, residue mobility, and thermodynamic stability) performed at Invitae indicates that this missense variant is not expected to disrupt TTC7A protein function with a negative predictive value of 80%. In summary, the available evidence is currently insufficient to determine the role of this variant in disease. Therefore, it has been classified as a Variant of Uncertain Significance.

NM_020458.4(TTC7A):c.605G>A (p.Arg202Lys)

Genes: TTC7A (tetratricopeptide repeat domain 7A; plus strand), LOC126806211 (CDK7 strongly-dependent group 2 enhancer GRCh37_chr2:47201305-47202504; plus strand). Cytogenetic location: 2p21.
Variant type: single nucleotide variant.
Coding change: c.605G>A on transcript NM_020458.4 (MANE Select); coding-DNA position 605, G replaced by A.
Protein change: p.Arg202Lys; replaces arginine 202 with lysine.
Molecular consequence: missense variant. On other transcripts: 5 prime UTR variant (1).
Genome position (GRCh38, 1-based): chr2:46,975,060, G>A. VCF-style: chr2-46975060-G-A. GRCh37 (hg19) VCF-style: chr2-47202199-G-A.
Other names: c.605G>A, p.Arg202Lys (NM_001288951.2); c.503G>A, p.Arg168Lys (NM_001288953.2); c.-300G>A (NM_001288955.2); short protein forms R168K, R202K.
Identifiers: ClinVar variation 3610928 (VCV003610928.2).